The following is an entry in ClinVar:

NM_000138.5(FBN1):c.5671G>A (p.Asp1891Asn)

Gene: FBN1 (fibrillin 1; minus strand). Cytogenetic location: 15q21.1.
Variant type: single nucleotide variant.
Coding change: c.5671G>A on transcript NM_000138.5 (MANE Select); coding-DNA position 5671, G replaced by A.
Protein change: p.Asp1891Asn; replaces aspartic acid 1891 with asparagine.
Molecular consequence: missense variant.
Genome position (GRCh38, 1-based): chr15:48,448,768, C>T on the plus strand (G>A on the coding strand, the complement: FBN1 is on the minus strand). VCF-style: chr15-48448768-C-T. GRCh37 (hg19) VCF-style: chr15-48740965-C-T.
Other names: short protein forms D1891N.
Identifiers: ClinVar variation 1332764 (VCV001332764.5), dbSNP rs193922216, ClinGen allele CA392341636.

ClinVar aggregate classification (germline): Pathogenic/Likely pathogenic. Review status: criteria provided, multiple submitters, no conflicts (2 of 4 stars). 2 submissions from 2 submitters: Pathogenic (1); Likely pathogenic (1). Last evaluated 2023-06-09.

Conditions:
Marfan syndrome (MFS). Also called: Marfan syndrome type 1; Marfan's syndrome; FBN1-Related Marfan Syndrome; MARFAN SYNDROME, TYPE I; Marfan syndrome, classic. Identifiers: Orphanet 284963, Orphanet 558, MedGen C0024796, MONDO:0007947, OMIM 154700.
Familial thoracic aortic aneurysm and aortic dissection (TAAD). Also called: Thoracic aortic aneurysms and dissections. Identifiers: Orphanet 91387, MedGen C4707243, MONDO:0019625.

Submissions (2):

Labcorp Genetics (formerly Invitae), Labcorp
Classification: Pathogenic for Marfan syndrome; Familial thoracic aortic aneurysm and aortic dissection. Last evaluated: 2023-06-09. Review status: criteria provided, single submitter. Criteria: Invitae Variant Classification Sherloc (09022015). Collection method: clinical testing. Allele origin: germline.
Comment: This sequence change affects codon 1891 of the FBN1 mRNA. It is a 'silent' change, meaning that it does not change the encoded amino acid sequence of the FBN1 protein. This variant also falls at the last nucleotide of exon 46, which is part of the consensus splice site for this exon. This variant is not present in population databases (gnomAD no frequency). For these reasons, this variant has been classified as Pathogenic. This variant disrupts the p.Asp1891 amino acid residue in FBN1. Other variant(s) that disrupt this residue have been determined to be pathogenic (PMID: 20886638; Invitae). This suggests that this residue is clinically significant, and that variants that disrupt this residue are likely to be disease-causing. Variants that disrupt the consensus splice site are a relatively common cause of aberrant splicing (PMID: 17576681, 9536098). An algorithm developed to predict the effect of missense changes on protein structure and function (PolyPhen-2) suggests that this variant is likely to be tolerated. ClinVar contains an entry for this variant (Variation ID: 1332764). This variant has been observed in individual(s) with Marfan syndrome (PMID: 31098894). In at least one individual the variant was observed to be de novo.

Kasturba Medical College, Manipal, Kasturba Medical College, Manipal, Manipal Academy of Higher Education, Manipal, India
Classification: Likely pathogenic for Marfan syndrome. Review status: criteria provided, single submitter. Criteria: ACMG Guidelines, 2015. Collection method: research. Allele origin: inherited. Inheritance: Autosomal dominant inheritance. Affected: yes.

Literature cited by the submitters: PubMed 20886638 (cited by Labcorp Genetics (formerly Invitae), Labcorp); PubMed 17576681 (cited by Labcorp Genetics (formerly Invitae), Labcorp); PubMed 9536098 (cited by Labcorp Genetics (formerly Invitae), Labcorp); PubMed 31098894 (cited by Labcorp Genetics (formerly Invitae), Labcorp).